The following is an entry in ClinVar:

ClinVar aggregate classification (germline): Uncertain significance. Review status: criteria provided, multiple submitters, no conflicts (2 of 4 stars). 2 submissions from 2 submitters: Uncertain significance (2). Last evaluated 2023-12-27.

Conditions:
Primary ciliary dyskinesia 27. Also called: CILIARY DYSKINESIA, PRIMARY, 27, WITHOUT SITUS INVERSUS. Identifiers: Orphanet 244, MedGen C3809701, MONDO:0014215, OMIM 615504.

Allele frequency attached by ClinVar (database versions not stated): gnomAD 0.00003 and 0.00004; gnomAD exomes 0.00006 and 0.00022; TOPMed 0.00006; ESP Exome Variant Server 0.00008; 1000 Genomes Project 30x 0.00016; 1000 Genomes Project 0.00020; ExAC 0.00029.
gnomAD v4.1: 98 of 1,614,108 alleles (0.0061%); highest among the groups gnomAD compares: Admixed American, 0.065%; no homozygotes.

Submissions (2):

Blueprint Genetics
Classification: Uncertain significance. Last evaluated: 2023-12-27. Review status: criteria provided, single submitter. Criteria: ACMG Guidelines, 2015. Collection method: clinical testing. Allele origin: germline.

Labcorp Genetics (formerly Invitae), Labcorp
Classification: Uncertain significance for Primary ciliary dyskinesia 27. Last evaluated: 2022-06-03. Review status: criteria provided, single submitter. Criteria: Invitae Variant Classification Sherloc (09022015). Collection method: clinical testing. Allele origin: germline.
Comment: This sequence change replaces isoleucine, which is neutral and non-polar, with threonine, which is neutral and polar, at codon 258 of the CCDC65 protein (p.Ile258Thr). This variant is present in population databases (rs199888057, gnomAD 0.09%). This variant has not been reported in the literature in individuals affected with CCDC65-related conditions. ClinVar contains an entry for this variant (Variation ID: 411129). Algorithms developed to predict the effect of missense changes on protein structure and function (SIFT, PolyPhen-2, Align-GVGD) all suggest that this variant is likely to be disruptive. In summary, the available evidence is currently insufficient to determine the role of this variant in disease. Therefore, it has been classified as a Variant of Uncertain Significance.

NM_033124.5(DRC2):c.773T>C (p.Ile258Thr)

Gene: DRC2 (dynein regulatory complex subunit 2; plus strand). Cytogenetic location: 12q13.12.
Variant type: single nucleotide variant.
Coding change: c.773T>C on transcript NM_033124.5 (MANE Select); coding-DNA position 773, T replaced by C.
Protein change: p.Ile258Thr; replaces isoleucine 258 with threonine.
Molecular consequence: missense variant.
Genome position (GRCh38, 1-based): chr12:48,918,438, T>C. VCF-style: chr12-48918438-T-C. GRCh37 (hg19) VCF-style: chr12-49312221-T-C.
Other names: c.344T>C, p.Ile115Thr (NM_001286957.2); short protein forms I258T, I115T.
Identifiers: ClinVar variation 411129 (VCV000411129.7), dbSNP rs199888057, ClinGen allele CA6543327.